The following is an entry in ClinVar:

NM_007294.4(BRCA1):c.2359dup (p.Glu787fs)

Gene: BRCA1 (BRCA1 DNA repair associated; minus strand). Cytogenetic location: 17q21.31.
Variant type: Duplication.
Coding change: c.2359dup on transcript NM_007294.4 (MANE Select); coding-DNA position 2359, one base duplicated (G; older notation c.2359dupG).
Protein change: p.Glu787fs; shifts the reading frame from glutamic acid 787.
Molecular consequence: frameshift variant. On other transcripts: intron variant (137).
Genome position (GRCh38, 1-based): chr17:43,093,172, C duplicated on the plus strand (G on the coding strand, the reverse complement: BRCA1 is on the minus strand); the first of 2 consecutive C bases (chr17:43,093,172-43,093,173); duplicating either gives the same sequence. VCF-style (leftmost placement, unchanged base first): chr17-43093171-T-TC. GRCh37 (hg19) VCF-style: chr17-41245188-T-TC.
Other names: 2478inG; 2478insG; c.2359dupG (NM_007294.3); c.2146dup, p.Glu716fs (NM_001407571.1, NM_001407853.1, NM_001407894.1 and 9 more transcripts); c.2359dup, p.Glu787fs (NM_001407581.1, NM_001407582.1, NM_001407583.1 and 30 more transcripts); c.2356dup, p.Glu786fs (NM_001407587.1, NM_001407590.1, NM_001407591.1 and 22 more transcripts); c.2350dup, p.Glu784fs (NM_001407646.1, NM_001407647.1); c.2236dup, p.Glu746fs (NM_001407648.1, NM_001407664.1, NM_001407665.1 and 19 more transcripts); and 44 more; short protein forms E787fs, E740fs, E659fs, E698fs, E719fs, E745fs, E746fs, E784fs.
Identifiers: ClinVar variation 54549 (VCV000054549.22), dbSNP rs80357739, ClinGen allele CA001577.

ClinVar aggregate classification (germline): Pathogenic. Review status: reviewed by expert panel (3 of 4 stars). 8 submissions from 8 submitters: Pathogenic (1). 7 of the submissions do not count toward it. Last evaluated 2016-09-08.

Conditions:
BRCA1-related disorder. Also called: BRCA1-related condition.
Hereditary cancer-predisposing syndrome. Also called: Tumor predisposition; Neoplastic Syndromes, Hereditary; Hereditary Cancer Syndrome; Hereditary neoplastic syndrome. Identifiers: Orphanet 140162, MedGen C0027672, MeSH D009386, MONDO:0015356.
Hereditary breast ovarian cancer syndrome. Also called: Hereditary breast and ovarian cancer syndrome (HBOC); Hereditary breast and ovarian cancer syndrome; Hereditary breast and ovarian cancer; Hereditary breast and/or ovarian cancer syndrome; Breast and ovarian cancer; BRCA1- and BRCA2-Associated Hereditary Breast and Ovarian Cancer. Identifiers: Orphanet 145, MedGen C0677776, MeSH D061325, MONDO:0003582. Disease mechanism: loss of function.
Breast-ovarian cancer, familial, susceptibility to, 1 (BROVCA1). Also called: OVARIAN CANCER, SUSCEPTIBILITY TO; BRCA1 Hereditary Breast and Ovarian Cancer. Identifiers: Orphanet 145, MedGen C2676676, MONDO:0011450, OMIM 604370. Disease mechanism: loss of function.

Submissions (8):

Evidence-based Network for the Interpretation of Germline Mutant Alleles (ENIGMA)
Classification: Pathogenic for Breast-ovarian cancer, familial, susceptibility to, 1. Last evaluated: 2016-09-08. Review status: reviewed by expert panel. Criteria: ENIGMA BRCA1/2 Classification Criteria (2015). Collection method: curation. Allele origin: germline.
Comment: Variant allele predicted to encode a truncated non-functional protein.

PreventionGenetics, part of Exact Sciences
Classification: Pathogenic for BRCA1-related condition. Last evaluated: 2026-07-30. Review status: criteria provided, single submitter. Criteria: ACMG Guidelines, 2015. Collection method: clinical testing. Allele origin: germline. Not counted in ClinVar's aggregate classification.
Comment: The BRCA1 c.2359dupG variant is predicted to result in a frameshift and premature protein termination (p.Glu787Glyfs*3). This variant has been reported in several individuals with breast and/or ovarian cancer (Lecarpentier et al. 2012. PubMed ID: 22762150; Claes et al. 2004. PubMed ID: 15026808; Castéra et al. 2014. PubMed ID: 24549055) and in an individual undergoing hereditary cancer testing (Table S7, Lilyquist et al. 2017. PubMed ID: 28888541). This variant has not been reported in a large population database (gnomAD), indicating this variant is rare and is interpreted as pathogenic by the Evidence-based Network for the Interpretation of Germline Mutant Alleles (ENIGMA) in the ClinVar database (Variation ID: 54549). Frameshift variants in BRCA1 are expected to be pathogenic. This variant is interpreted as pathogenic.

Ambry Genetics
Classification: Pathogenic for Hereditary cancer-predisposing syndrome. Last evaluated: 2025-07-01. Review status: criteria provided, single submitter. Criteria: Ambry Variant Classification Scheme 2023. Collection method: clinical testing. Allele origin: germline. Not counted in ClinVar's aggregate classification.
Comment: The c.2359dupG pathogenic mutation, located in coding exon 9 of the BRCA1 gene, results from a duplication of G at nucleotide position 2359, causing a translational frameshift with a predicted alternate stop codon (p.E787Gfs*3). This alteration has been identified in individuals diagnosed with breast and/or ovarian cancer (Claes K et al. Br. J. Cancer, 2004 Mar;90:1244-51; Cast&eacute;ra L et al. Eur J Hum Genet, 2014 Nov;22:1305-13). This variant is considered to be rare based on population cohorts in the Genome Aggregation Database (gnomAD). Of note, this alteration is also designated as 2478-2479insG in published literature. In addition to the clinical data presented in the literature, this alteration is expected to result in loss of function by premature protein truncation or nonsense-mediated mRNA decay. As such, this alteration is interpreted as a disease-causing mutation.

Labcorp Genetics (formerly Invitae), Labcorp
Classification: Pathogenic for Hereditary breast ovarian cancer syndrome. Last evaluated: 2025-03-17. Review status: criteria provided, single submitter. Criteria: Invitae Variant Classification Sherloc (09022015). Collection method: clinical testing. Allele origin: germline. Not counted in ClinVar's aggregate classification.
Comment: This sequence change creates a premature translational stop signal (p.Glu787Glyfs*3) in the BRCA1 gene. It is expected to result in an absent or disrupted protein product. Loss-of-function variants in BRCA1 are known to be pathogenic (PMID: 20104584). This variant is not present in population databases (gnomAD no frequency). This premature translational stop signal has been observed in individual(s) with a personal and/or family history of breast/ovarian cancer (PMID: 10866028, 22762150, 24549055). This variant is also known as 2476insG. ClinVar contains an entry for this variant (Variation ID: 54549). For these reasons, this variant has been classified as Pathogenic.

Variantyx, Inc.
Classification: Pathogenic for Breast-ovarian cancer, familial, susceptibility to, 1. Last evaluated: 2025-03-05. Review status: criteria provided, single submitter. Criteria: Variantyx Assertion Criteria 2022. Collection method: clinical testing. Allele origin: germline. Inheritance: Autosomal dominant inheritance. Not counted in ClinVar's aggregate classification.
Comment: This is a frameshift variant in the BRCA1 gene (OMIM: 113705). Pathogenic variants in this gene have been associated with autosomal dominant susceptibility to familial breast-ovarian cancer 1. This variant introduces a premature termination codon in exon 10 out of 23 and is expected to result in loss of function, which is a known disease mechanism for BRCA1 (PMID: 20104584) (PVS1). This variant has been reported in many unrelated individuals with breast and/or ovariance cancer (PMID: 15026808, 28888541, 24549055) (PS4_Moderate), while it is absent from control populations (PM2). Based on the current evidence, this variant is classified as pathogenic for autosomal dominant susceptibility to familial breast-ovarian cancer 1.

Color Diagnostics, LLC DBA Color Health
Classification: Pathogenic for Hereditary cancer-predisposing syndrome. Last evaluated: 2020-05-26. Review status: criteria provided, single submitter. Criteria: ACMG Guidelines, 2015. Collection method: clinical testing. Allele origin: germline. Not counted in ClinVar's aggregate classification.
Comment: This variant inserts 1 nucleotide in exon 10 of the BRCA1 gene, creating a frameshift and premature translation stop signal. This variant is expected to result in an absent or non-functional protein product. To our knowledge, functional studies have not been reported for this variant. This variant has been reported in individuals affected with hereditary breast and/or ovarian cancer (PMID: 10866028, 22762150, 23199084, 24549055). This variant has not been identified in the general population by the Genome Aggregation Database (gnomAD). Loss of BRCA1 function is a known mechanism of disease. Based on the available evidence, this variant is classified as Pathogenic.

Consortium of Investigators of Modifiers of BRCA1/2 (CIMBA), c/o University of Cambridge
Classification: Pathogenic for Breast-ovarian cancer, familial, susceptibility to, 1. Last evaluated: 2015-10-02. Review status: criteria provided, single submitter. Criteria: CIMBA Mutation Classification guidelines May 2016. Collection method: clinical testing. Allele origin: germline. Not counted in ClinVar's aggregate classification.

Breast Cancer Information Core (BIC) (BRCA1)
Classification: Pathogenic for Breast-ovarian cancer, familial 1. Last evaluated: 2013-02-20. Review status: no assertion criteria provided. Collection method: clinical testing. Allele origin: germline. Affected: yes. Observed: 5 variant alleles. Not counted in ClinVar's aggregate classification.

Literature cited by the submitters: PubMed 15026808 (cited by Ambry Genetics and Variantyx, Inc.); PubMed 24549055 (cited by 3 submitters); PubMed 20104584 (cited by Labcorp Genetics (formerly Invitae), Labcorp and Variantyx, Inc.); PubMed 10866028 (cited by Labcorp Genetics (formerly Invitae), Labcorp); PubMed 22762150 (cited by Labcorp Genetics (formerly Invitae), Labcorp); PubMed 28888541 (cited by Variantyx, Inc.).